The following is an entry in ClinVar:

ClinVar aggregate classification (germline): Uncertain significance (1 of 4 stars; one submission).

Conditions:
Inborn genetic diseases. Identifiers: MedGen C0950123, MeSH D030342.

Allele frequency attached by ClinVar (database versions not stated): gnomAD exomes below 0.00001.

Submission:

Ambry Genetics
Classification: Uncertain significance for Inborn genetic diseases. Last evaluated: 2019-02-23. Review status: criteria provided, single submitter. Criteria: Ambry Variant Classification Scheme 2023. Collection method: clinical testing. Allele origin: germline.
Comment: The p.H127R variant (also known as c.380A>G), located in coding exon 5 of the FMR1 gene, results from an A to G substitution at nucleotide position 380. The histidine at codon 127 is replaced by arginine, an amino acid with highly similar properties. This amino acid position is not well conserved in available vertebrate species, and arginine is the reference amino acid in other vertebrate species. In addition, this alteration is predicted to be tolerated by in silico analysis. Since supporting evidence is limited at this time, the clinical significance of this alteration remains unclear.

NM_002024.6(FMR1):c.380A>G (p.His127Arg)

Gene: FMR1 (fragile X messenger ribonucleoprotein 1; plus strand). Cytogenetic location: Xq27.3.
Variant type: single nucleotide variant.
Coding change: c.380A>G on transcript NM_002024.6 (MANE Select); coding-DNA position 380, A replaced by G.
Protein change: p.His127Arg; replaces histidine 127 with arginine.
Molecular consequence: missense variant. On other transcripts: non-coding transcript variant (2).
Genome position (GRCh38, 1-based): chrX:147,928,768, A>G. VCF-style: chrX-147928768-A-G. GRCh37 (hg19) VCF-style: chrX-147010286-A-G.
Other names: c.380A>G, p.His127Arg (NM_001185076.2, NM_001185081.2, NM_001185082.2 and 1 more transcripts); short protein forms H127R.
Identifiers: ClinVar variation 1735127 (VCV001735127.2), dbSNP rs2043480831, ClinGen allele CA414436762.